The following is an entry in ClinVar:

ClinVar aggregate classification (germline): Uncertain significance (1 of 4 stars; one submission).

Conditions:
Benign neonatal seizures. Also called: Benign familial neonatal epilepsy; Benign familial neonatal seizures; Benign neonatal familial convulsions; Convulsions benign familial neonatal dominant form; Autosomal dominant form of benign neonatal seizures. Identifiers: Orphanet 1949, MedGen C0220669, MONDO:0016027.

Allele frequency attached by ClinVar (database versions not stated): gnomAD exomes below 0.00001 and 0.00002; ExAC 0.00002.
gnomAD v4.1: 6 of 1,590,666 alleles (0.00038%); highest among the groups gnomAD compares: South Asian, 0.0055%; no homozygotes.

Submission:

Labcorp Genetics (formerly Invitae), Labcorp
Classification: Uncertain significance for Benign neonatal seizures. Last evaluated: 2025-05-27. Review status: criteria provided, single submitter. Criteria: Invitae Variant Classification Sherloc (09022015). Collection method: clinical testing. Allele origin: germline.
Comment: This sequence change affects codon 628 of the KCNQ3 mRNA. It is a 'silent' change, meaning that it does not change the encoded amino acid sequence of the KCNQ3 protein. This variant also falls at the last nucleotide of exon 14, which is part of the consensus splice site for this exon. This variant is present in population databases (rs768065334, gnomAD 0.01%). This variant has not been reported in the literature in individuals affected with KCNQ3-related conditions. ClinVar contains an entry for this variant (Variation ID: 1054499). Variants that disrupt the consensus splice site are a relatively common cause of aberrant splicing (PMID: 17576681, 9536098). Algorithms developed to predict the effect of sequence changes on RNA splicing suggest that this variant is not likely to affect RNA splicing. In summary, the available evidence is currently insufficient to determine the role of this variant in disease. Therefore, it has been classified as a Variant of Uncertain Significance.

Literature cited by the submitters: PubMed 17576681; PubMed 9536098.

NM_004519.4(KCNQ3):c.1884G>A (p.Gln628=)

Gene: KCNQ3 (potassium voltage-gated channel subfamily Q member 3; minus strand). Cytogenetic location: 8q24.22.
Variant type: single nucleotide variant.
Coding change: c.1884G>A on transcript NM_004519.4 (MANE Select); coding-DNA position 1884, G replaced by A.
Protein change: p.Gln628=; no amino-acid change (glutamine 628 retained).
Molecular consequence: synonymous variant.
Genome position (GRCh38, 1-based): chr8:132,132,180, C>T on the plus strand (G>A on the coding strand, the complement: KCNQ3 is on the minus strand). VCF-style: chr8-132132180-C-T. GRCh37 (hg19) VCF-style: chr8-133144427-C-T.
Other names: c.1524G>A, p.Gln508= (NM_001204824.2).
Identifiers: ClinVar variation 1054499 (VCV001054499.7), dbSNP rs768065334, ClinGen allele CA4880562.